The following is an entry in ClinVar:

NM_004423.4(DVL3):c.2048C>T (p.Pro683Leu)

Gene: DVL3 (dishevelled segment polarity protein 3; plus strand). Cytogenetic location: 3q27.1.
Variant type: single nucleotide variant.
Coding change: c.2048C>T on transcript NM_004423.4 (MANE Select); coding-DNA position 2048, C replaced by T.
Protein change: p.Pro683Leu; replaces proline 683 with leucine.
Molecular consequence: missense variant.
Genome position (GRCh38, 1-based): chr3:184,170,652, C>T. VCF-style: chr3-184170652-C-T. GRCh37 (hg19) VCF-style: chr3-183888440-C-T.
Other names: short protein forms P683L.
Identifiers: ClinVar variation 2636565 (VCV002636565.1), dbSNP rs1577053259, ClinGen allele CA355416663.
Genomic context (GRCh38, chr3:184,170,652, plus strand): 5'-GCCCCCCCATGCTGATGATGCCCCCGCCGCCCGCGGCCATGGGGCCCCCAGGAGCCCCTC[C>T]GGGCCGCGACCTGGCCTCAGTGCCCCCGGAACTGACCGCCAGCAGACAGTCCTTCCGCAT-3'
Protein context (NP_004414.3, residues 673-693): PAAMGPPGAP[Pro683Leu]GRDLASVPPE

ClinVar aggregate classification (germline): Uncertain significance (1 of 4 stars; one submission).

Conditions:
DVL3-related disorder. Also called: DVL3-related condition.

Allele frequency attached by ClinVar (database versions not stated): TOPMed below 0.00001; gnomAD 0.00001; gnomAD exomes 0.00001.
gnomAD v4.1: 13 of 1,612,344 alleles (0.00081%); highest among the groups gnomAD compares: East Asian, 0.0022%; no homozygotes.

Submission:

PreventionGenetics, part of Exact Sciences
Classification: Uncertain significance for DVL3-related condition. Last evaluated: 2022-08-28. Review status: criteria provided, single submitter. Criteria: ACMG Guidelines, 2015. Collection method: clinical testing. Allele origin: germline.
Comment: The DVL3 c.2048C>T variant is predicted to result in the amino acid substitution p.Pro683Leu. To our knowledge, this variant has not been reported in the literature or in a large population database, indicating this variant is rare. At this time, the clinical significance of this variant is uncertain due to the absence of conclusive functional and genetic evidence.